The following is an entry in ClinVar:

NM_000152.5(GAA):c.2082del (p.Ala694_Met695insTer)

Gene: GAA (alpha glucosidase; plus strand). Cytogenetic location: 17q25.3.
Variant type: Deletion.
Coding change: c.2082del on transcript NM_000152.5 (MANE Select); coding-DNA position 2082, one base deleted (C; older notation c.2082delC).
Protein change: p.Ala694_Met695insTer.
Molecular consequence: frameshift variant.
Genome position (GRCh38, 1-based): chr17:80,113,259, C deleted; the last of 2 consecutive C bases (chr17:80,113,258-80,113,259); deleting either gives the same sequence. VCF-style (leftmost placement, unchanged base first): chr17-80113257-GC-G. GRCh37 (hg19) VCF-style: chr17-78087056-GC-G.
Other names: c.2082del, p.Ala694_Met695insTer (NM_001079803.3, NM_001079804.3).
Identifiers: ClinVar variation 854513 (VCV000854513.7), dbSNP rs2039287852, ClinGen allele CA916082441.
Genomic context (GRCh38, chr17:80,113,257, plus strand): 5'-TTGCCCCCGCCTGCCCTGCAGCCCCAGGAGCCGTACAGCTTCAGCGAGCCGGCCCAGCAG[GC>G]CATGAGGAAGGCCCTCACCCTGCGCTACGCACTCCTCCCCCACCTCTACACACTGTTCCA-3'

ClinVar aggregate classification (germline): Pathogenic/Likely pathogenic. Review status: criteria provided, multiple submitters, no conflicts (2 of 4 stars). 4 submissions from 4 submitters: Pathogenic (3); Likely pathogenic (1). Last evaluated 2024-02-01.

Conditions:
Glycogen storage disease, type II (IOPD). Also called: Glycogen storage disease type 2; Acid maltase deficiency disease; Aglucosidase alfa; Deficiency of alpha-glucosidase; Deficiency of lysosomal alpha-glucosidase; Pompe Disease. Identifiers: Orphanet 365, MedGen C0017921, MONDO:0009290, OMIM 232300.

Submissions (4):

Laboratory of Medical Genetics, National & Kapodistrian University of Athens
Classification: Pathogenic for Glycogen storage disease, type II. Last evaluated: 2024-02-01. Review status: criteria provided, single submitter. Criteria: ACMG Guidelines, 2015. Collection method: curation. Allele origin: germline. Affected: no.

Baylor Genetics
Classification: Likely pathogenic for Glycogen storage disease, type II. Last evaluated: 2023-08-24. Review status: criteria provided, single submitter. Criteria: ACMG Guidelines, 2015. Collection method: clinical testing. Allele origin: unknown.

Revvity Omics, Revvity
Classification: Pathogenic. Last evaluated: 2020-03-30. Review status: criteria provided, single submitter. Criteria: ACMG Guidelines, 2015. Collection method: clinical testing. Allele origin: germline.

Labcorp Genetics (formerly Invitae), Labcorp
Classification: Pathogenic for Glycogen storage disease, type II. Last evaluated: 2019-02-20. Review status: criteria provided, single submitter. Criteria: Invitae Variant Classification Sherloc (09022015). Collection method: clinical testing. Allele origin: germline.
Comment: This sequence change creates a premature translational stop signal (p.Met695*) in the GAA gene. It is expected to result in an absent or disrupted protein product. This variant is not present in population databases (ExAC no frequency). This variant has not been reported in the literature in individuals with GAA-related conditions. Loss-of-function variants in GAA are known to be pathogenic (PMID: 18425781, 22252923). For these reasons, this variant has been classified as Pathogenic.